The following is an entry in ClinVar:

ClinVar aggregate classification (germline): Likely benign (1 of 4 stars; one submission).

Submission:

Women's Health and Genetics/Laboratory Corporation of America, LabCorp
Classification: Likely benign. Last evaluated: 2025-05-07. Review status: criteria provided, single submitter. Criteria: LabCorp Variant Classification Summary - May 2015. Collection method: clinical testing. Allele origin: germline.
Comment: Variant summary: The variant involves the deletion of exons 1-6 in the CFHR3 gene. A presumed nomenclature of c.(?_-48)_(*1895_?)del has been designated for the purposes of this classification. This deletion includes the entire coding sequence of the gene and is predicted to result in an absence of protein. However, current evidence is not sufficient to establish loss of function as a mechanism for disease. As the exact proximal and distal breakpoints are unknown, it may extend beyond the annotated region of the gene to include other flanking genes. The deletion of the whole CFHR3 gene in isolation, was absent from the gnomAD database, however a larger deletion (size: ~110 kbp bp) which includes the deletion of the CFHR3 and CFHR1 genes together was found at a frequency of 0.24 in 121,130 control chromosomes in the gnomAD database (Structural Variants v4.1 dataset), including 2435 homozygotes. The observed variant frequency is approximately 1500-fold of the estimated maximal expected allele frequency for a pathogenic variant in CFHR3 causing Genetic Atypical Hemolytic Uremic Syndrome (aHUS) phenotype (0.00016). To our knowledge, the deletion of the whole CFHR3 gene in isolation was not reported, however the deletion of the CFHR3 and CFHR1 genes together has been observed in individuals affected with aHUS, with a similar frequency to controls (e.g Piras_2021, Rodriguez de Cordoba_2023). One of these studies concluded that delCFHR3- CFHR1 is not a risk factor for aHUS (as it was previously reported), in homozygosis however, is a relevant finding because it might be associated with the presence of auto-antibodies against the C-terminal region of FH, the most important acquired factor associated with the development of aHUS in children (for overview, see Rodriguez de Cordoba_2023). To our knowledge, no experimental evidence demonstrating an impact on protein function has been reported. No submitters have cited clinical-significance assessments for this variant to ClinVar. In conclusion, the deletion of the whole CFHR3 gene in isolation was not reported, however large deletion variants involving the full coding sequence of the CFHR3 gene together with the CFHR1 gene are reported with high allele frequencies in control populations, and currently no strong evidence suggests a causal role in reported patients. Based on the evidence outlined above, the variant was classified as likely benign.

Literature cited by the submitters: PubMed 36089777; PubMed 34211499.

NC_000001.10:g.(?_196743969)_(196764538_?)del

Gene: CFHR3 (complement factor H related 3; plus strand). Cytogenetic location: 1q31.3.
Variant type: Deletion.
Identifiers: ClinVar variation 3902439 (VCV003902439.1).